The following is an entry in ClinVar:

ClinVar aggregate classification (germline): Uncertain significance (0 of 4 stars; one submission).

Conditions:
ERBB4-related disorder. Also called: ERBB4-related condition.

gnomAD v4.1: 4 of 1,613,504 alleles (0.00025%); highest among the groups gnomAD compares: Admixed American, 0.005%; no homozygotes.

Submission:

PreventionGenetics, part of Exact Sciences
Classification: Uncertain significance for ERBB4-related condition. Last evaluated: 2024-05-29. Review status: no assertion criteria provided. Collection method: clinical testing. Allele origin: germline.
Comment: The ERBB4 c.2317G>A variant is predicted to result in the amino acid substitution p.Ala773Thr. To our knowledge, this variant has not been reported in the literature. This variant is reported in 0.0058% of alleles in individuals of Latino descent in gnomAD. At this time, the clinical significance of this variant is uncertain due to the absence of conclusive functional and genetic evidence.

NM_005235.3(ERBB4):c.2317G>A (p.Ala773Thr)

Gene: ERBB4 (erb-b2 receptor tyrosine kinase 4; minus strand). Cytogenetic location: 2q34.
Variant type: single nucleotide variant.
Coding change: c.2317G>A on transcript NM_005235.3 (MANE Select); coding-DNA position 2317, G replaced by A.
Protein change: p.Ala773Thr; replaces alanine 773 with threonine.
Molecular consequence: missense variant.
Genome position (GRCh38, 1-based): chr2:211,562,073, C>T on the plus strand (G>A on the coding strand, the complement: ERBB4 is on the minus strand). VCF-style: chr2-211562073-C-T. GRCh37 (hg19) VCF-style: chr2-212426798-C-T.
Other names: c.2317G>A, p.Ala773Thr (NM_001042599.2); short protein forms A773T.
Identifiers: ClinVar variation 3345631 (VCV003345631.1).